The following is an entry in ClinVar:

ClinVar aggregate classification (germline): Uncertain significance. Review status: criteria provided, multiple submitters, no conflicts (2 of 4 stars). 2 submissions from 2 submitters: Uncertain significance (2). Last evaluated 2025-08-07.

Conditions:
Inborn genetic diseases. Identifiers: MedGen C0950123, MeSH D030342.

Allele frequency attached by ClinVar (database versions not stated): gnomAD 0.00001; gnomAD exomes 0.00001 and 0.00003; TOPMed 0.00002; ExAC 0.00003.
gnomAD v4.1: 13 of 1,613,526 alleles (0.00081%); highest among the groups gnomAD compares: Middle Eastern, 0.016%; no homozygotes.

Submissions (2):

Ambry Genetics
Classification: Uncertain significance for Inborn genetic diseases. Last evaluated: 2025-08-07. Review status: criteria provided, single submitter. Criteria: Ambry Variant Classification Scheme 2023. Collection method: clinical testing. Allele origin: germline.

Labcorp Genetics (formerly Invitae), Labcorp
Classification: Uncertain significance. Last evaluated: 2024-06-25. Review status: criteria provided, single submitter. Criteria: Invitae Variant Classification Sherloc (09022015). Collection method: clinical testing. Allele origin: germline.
Comment: This sequence change replaces arginine, which is basic and polar, with glutamine, which is neutral and polar, at codon 1933 of the RP1 protein (p.Arg1933Gln). This variant is present in population databases (rs756635671, gnomAD 0.03%). This variant has not been reported in the literature in individuals affected with RP1-related conditions. ClinVar contains an entry for this variant (Variation ID: 1373604). An algorithm developed to predict the effect of missense changes on protein structure and function (PolyPhen-2) suggests that this variant is likely to be disruptive. In summary, the available evidence is currently insufficient to determine the role of this variant in disease. Therefore, it has been classified as a Variant of Uncertain Significance.

NM_006269.2(RP1):c.5798G>A (p.Arg1933Gln)

Genes: RP1 (RP1 axonemal microtubule associated; plus strand), LOC126860392 (CDK7 strongly-dependent group 2 enhancer GRCh37_chr8:55541319-55542518; plus strand). Cytogenetic location: 8q12.1.
Variant type: single nucleotide variant.
Coding change: c.5798G>A on transcript NM_006269.2 (MANE Select); coding-DNA position 5798, G replaced by A.
Protein change: p.Arg1933Gln; replaces arginine 1933 with glutamine.
Molecular consequence: missense variant. On other transcripts: intron variant (1).
Genome position (GRCh38, 1-based): chr8:54,629,680, G>A. VCF-style: chr8-54629680-G-A. GRCh37 (hg19) VCF-style: chr8-55542240-G-A.
Other names: c.787+7392G>A (NM_001375654.1); c.5798G>A (NM_006269.1); short protein forms R1933Q.
Identifiers: ClinVar variation 1373604 (VCV001373604.7), dbSNP rs756635671, ClinGen allele CA4752132.